The following is an entry in ClinVar:

ClinVar aggregate classification (germline): Uncertain significance (1 of 4 stars; one submission).

Conditions:
Idiopathic generalized epilepsy. Also called: Generalised epilepsy; EIG. Identifiers: MedGen C0270850, MONDO:0005579, OMIM 600669.

Submission:

Labcorp Genetics (formerly Invitae), Labcorp
Classification: Uncertain significance for Idiopathic generalized epilepsy. Last evaluated: 2025-08-20. Review status: criteria provided, single submitter. Criteria: Invitae Variant Classification Sherloc (09022015). Collection method: clinical testing. Allele origin: germline.
Comment: This sequence change creates a premature translational stop signal (p.Tyr373*) in the RBFOX1 gene. While this is not anticipated to result in nonsense mediated decay, it is expected to disrupt the last 46 amino acid(s) of the RBFOX1 protein. This variant is not present in population databases (gnomAD no frequency). This variant has not been reported in the literature in individuals affected with RBFOX1-related conditions. Experimental studies and prediction algorithms are not available or were not evaluated, and the functional significance of this variant is currently unknown. In summary, the available evidence is currently insufficient to determine the role of this variant in disease. Therefore, it has been classified as a Variant of Uncertain Significance.

NM_018723.4(RBFOX1):c.1056C>A (p.Tyr352Ter)

Genes: RBFOX1 (RNA binding fox-1 homolog 1; plus strand), LOC126862279 (MED14-independent group 3 enhancer GRCh37_chr16:7758954-7760153; plus strand). Cytogenetic location: 16p13.3.
Variant type: single nucleotide variant.
Coding change: c.1056C>A on transcript NM_018723.4 (MANE Select); coding-DNA position 1056, C replaced by A.
Protein change: p.Tyr352Ter; replaces tyrosine 352 with a stop codon.
Molecular consequence: nonsense. On other transcripts: missense variant (18).
Genome position (GRCh38, 1-based): chr16:7,709,116, C>A. VCF-style: chr16-7709116-C-A. GRCh37 (hg19) VCF-style: chr16-7759118-C-A.
Other names: c.975C>A, p.Tyr325Ter (NM_001142333.2); c.1056C>A, p.Tyr352Ter (NM_001142334.2); c.1185C>A, p.Tyr395Ter (NM_001308117.1, NM_001415891.1); c.1109C>A, p.Thr370Lys (NM_001364800.2); c.1238C>A, p.Thr413Lys (NM_001411047.1, NM_001415895.1); c.1706C>A, p.Thr569Lys (NM_001415887.1); c.1572C>A, p.Tyr524Ter (NM_001415888.1); c.1217C>A, p.Thr406Lys (NM_001415889.1, NM_001415898.1); and 23 more; short protein forms T345K, T363K, T370K, T375K, T382K, T413K, Y321*, Y346*.
Identifiers: ClinVar variation 4720506 (VCV004720506.1).